The following is an entry in ClinVar:

ClinVar aggregate classification (germline): Pathogenic (0 of 4 stars; one submission).

Conditions:
Bone marrow failure syndrome 3 (BMFS3). Identifiers: MedGen C4310744, MONDO:0014887, OMIM 617052.

Submission:

Center of Genomic Medicine, University of Medicine and Pharmacy Victor Babes Timisoara
Classification: Pathogenic for Bone marrow failure syndrome 3. Last evaluated: 2022-02-08. Review status: no assertion criteria provided. Collection method: clinical testing. Allele origin: paternal. Inheritance: Autosomal recessive inheritance. Affected: yes. Observed: 1 compound heterozygote.
Comment: PVS1 Very Strong: Null variant (frame-shift), in gene DNAJC21 for which loss-of-function is a known mechanism of disease (gene has 9 pathogenic LOF variants and gnomAD Loss-of-Function Observed/Expected = 0.48 is less than 0.755), associated with Bone marrow failure syndrome 3. PM2 Moderate: Variant not found in gnomAD exomes. Variant not found in gnomAD genomes (good gnomAD genomes coverage = 31.6).

NM_001012339.3(DNAJC21):c.643_644delinsTTT (p.Lys215fs)

Gene: DNAJC21 (DnaJ heat shock protein family (Hsp40) member C21; plus strand). Cytogenetic location: 5p13.2.
Variant type: Indel.
Coding change: c.643_644delinsTTT on transcript NM_001012339.3 (MANE Select); coding-DNA positions 643 to 644, AA replaced by TTT.
Protein change: p.Lys215fs; shifts the reading frame from lysine 215.
Molecular consequence: frameshift variant.
Genome position (GRCh38, 1-based): chr5:34,937,530-34,937,531, AA replaced by TTT. VCF-style: chr5-34937530-AA-TTT. GRCh37 (hg19) VCF-style: chr5-34937635-AA-TTT.
Other names: c.643_644delinsTTT, p.Lys215fs (NM_001348420.2, NM_194283.4); short protein forms K215fs.
Identifiers: ClinVar variation 1339573 (VCV001339573.3), dbSNP rs2112039335, ClinGen allele CA2573052494.
Genomic context (GRCh38, chr5:34,937,530, plus strand): 5'-GCAAGGAAAGAGAAGAATGAGCTTGTCCGTCAGCTGGTAGCTTTCATTCGTAAAAGAGAT[AA>TTT]AAGAGTGCAGGCGCATCGAAAACTTGTGGAAGAACAGAATGCAGAGAAGGCGAGGAAAGC-3'